The following is an entry in ClinVar:

NM_018076.5(ODAD2):c.527A>G (p.Lys176Arg)

Gene: ODAD2 (outer dynein arm docking complex subunit 2; minus strand). Cytogenetic location: 10p12.1.
Variant type: single nucleotide variant.
Coding change: c.527A>G on transcript NM_018076.5 (MANE Select); coding-DNA position 527, A replaced by G.
Protein change: p.Lys176Arg; replaces lysine 176 with arginine.
Molecular consequence: missense variant.
Genome position (GRCh38, 1-based): chr10:27,985,067, T>C on the plus strand (A>G on the coding strand, the complement: ODAD2 is on the minus strand). VCF-style: chr10-27985067-T-C. GRCh37 (hg19) VCF-style: chr10-28273996-T-C.
Other names: c.527A>G, p.Lys176Arg (NM_001290020.2); short protein forms K176R.
Identifiers: ClinVar variation 1681395 (VCV001681395.6), dbSNP rs1328885643, ClinGen allele CA376397039.
Genomic context (GRCh38, chr10:27,985,067, plus strand): 5'-AAAAAGACTCACAATGAAATATGTTTTAGAGAATGATTGAGGAGGTGCAGATCCAATTGC[T>C]TAAGCAGCATAGCAATCTTCATCTTAATTTCACTTTCAGGATCATCATCTCTGGTAATTT-3'
Protein context (NP_060546.2, residues 166-186): EIKMKIAMLL[Lys176Arg]QLDLHLLNHS

ClinVar aggregate classification (germline): Uncertain significance (1 of 4 stars; one submission).

Conditions:
Primary ciliary dyskinesia 23 (CILD23). Also called: CILIARY DYSKINESIA, PRIMARY, 23, WITH OR WITHOUT SITUS INVERSUS. Identifiers: Orphanet 244, MedGen C3809548, MONDO:0014193, OMIM 615451.

Allele frequency attached by ClinVar (database versions not stated): gnomAD 0.00001; TOPMed 0.00001.
gnomAD v4.1: 2 of 1,609,218 alleles (0.00012%); highest among the groups gnomAD compares: African/African-American, 0.0027%; no homozygotes.

Submission:

Labcorp Genetics (formerly Invitae), Labcorp
Classification: Uncertain significance for Primary ciliary dyskinesia 23. Last evaluated: 2021-10-27. Review status: criteria provided, single submitter. Criteria: Invitae Variant Classification Sherloc (09022015). Collection method: clinical testing. Allele origin: germline.
Comment: Algorithms developed to predict the effect of sequence changes on RNA splicing suggest that this variant may create or strengthen a splice site. Algorithms developed to predict the effect of missense changes on protein structure and function (SIFT, PolyPhen-2, Align-GVGD) all suggest that this variant is likely to be tolerated. This variant has not been reported in the literature in individuals affected with ARMC4-related conditions. This variant is not present in population databases (gnomAD no frequency). This sequence change replaces lysine, a(n) basic and polar amino acid, with arginine, a(n) basic and polar amino acid, at codon 176 of the ARMC4 protein (p.Lys176Arg). In summary, the available evidence is currently insufficient to determine the role of this variant in disease. Therefore, it has been classified as a Variant of Uncertain Significance.